The following is an entry in ClinVar:

NM_024334.3(TMEM43):c.971A>G (p.Asn324Ser)

Gene: TMEM43 (transmembrane protein 43; plus strand). Cytogenetic location: 3p25.1.
Variant type: single nucleotide variant.
Coding change: c.971A>G on transcript NM_024334.3 (MANE Select); coding-DNA position 971, A replaced by G.
Protein change: p.Asn324Ser; replaces asparagine 324 with serine.
Molecular consequence: missense variant.
Genome position (GRCh38, 1-based): chr3:14,139,268, A>G. VCF-style: chr3-14139268-A-G. GRCh37 (hg19) VCF-style: chr3-14180768-A-G.
Other names: c.974A>G, p.Asn325Ser (NM_001407274.1); c.968A>G, p.Asn323Ser (NM_001407275.1, NM_001407276.1); c.965A>G, p.Asn322Ser (NM_001407277.1); c.956A>G, p.Asn319Ser (NM_001407278.1); c.896A>G, p.Asn299Ser (NM_001407279.1); c.821A>G, p.Asn274Ser (NM_001407280.1); short protein forms N274S, N299S, N319S, N322S, N323S, N324S, N325S.
Identifiers: ClinVar variation 3075514 (VCV003075514.1), dbSNP rs2470196872, ClinGen allele CA351536269.

ClinVar aggregate classification (germline): Uncertain significance (1 of 4 stars; one submission).

Conditions:
Arrhythmogenic right ventricular dysplasia 5. Also called: Arrhythmogenic Right Ventricular Dysplasia/Cardiomyopathy 5; ARRHYTHMOGENIC RIGHT VENTRICULAR DYSPLASIA, FAMILIAL, 5. Identifiers: MedGen C1858379, MONDO:0011459, OMIM 604400.

Submission:

All of Us Research Program, National Institutes of Health
Classification: Uncertain significance for Arrhythmogenic right ventricular dysplasia 5. Last evaluated: 2023-02-24. Review status: criteria provided, single submitter. Criteria: ACMG Guidelines, 2015. Collection method: clinical testing. Allele origin: germline. Inheritance: Autosomal dominant inheritance. Observed: 1 variant allele, 1 heterozygote.
Comment: This missense variant replaces asparagine with serine at codon 324 of the TMEM43 protein. Computational prediction suggests that this variant may not impact protein structure and function (internally defined REVEL score threshold <= 0.5, PMID: 27666373). To our knowledge, functional studies have not been reported for this variant. This variant has not been reported in individuals affected with cardiovascular disorders in the literature. This variant has not been identified in the general population by the Genome Aggregation Database (gnomAD). The available evidence is insufficient to determine the role of this variant in disease conclusively. Therefore, this variant is classified as a Variant of Uncertain Significance.

This study involves interpretation of variants in research participants for the purpose of population health screening. Participant phenotype was not available at the time of variant classification. Additional details can be found in publication PMID: 35346344, PMCID: PMC8962531